The following is an entry in ClinVar:

NM_000243.3(MEFV):c.819G>A (p.Ser273=)

Gene: MEFV (MEFV innate immunity regulator, pyrin; minus strand). Cytogenetic location: 16p13.3.
Variant type: single nucleotide variant.
Coding change: c.819G>A on transcript NM_000243.3 (MANE Select); coding-DNA position 819, G replaced by A.
Protein change: p.Ser273=; no amino-acid change (serine 273 retained).
Molecular consequence: synonymous variant. On other transcripts: intron variant (1).
Genome position (GRCh38, 1-based): chr16:3,254,249, C>T on the plus strand (G>A on the coding strand, the complement: MEFV is on the minus strand). VCF-style: chr16-3254249-C-T. GRCh37 (hg19) VCF-style: chr16-3304249-C-T.
Other names: c.277+2062G>A (NM_001198536.2).
Identifiers: ClinVar variation 507400 (VCV000507400.4), dbSNP rs962267537, ClinGen allele CA276902185.

ClinVar aggregate classification (germline): Likely benign. Review status: criteria provided, multiple submitters, no conflicts (2 of 4 stars). 2 submissions from 2 submitters: Likely benign (2). Last evaluated 2025-07-29.

Conditions:
Familial Mediterranean fever (FMF). Also called: POLYSEROSITIS, FAMILIAL PAROXYSMAL; POLYSEROSITIS, RECURRENT; Periodic peritonitis; Benign paroxysmal peritonitis. Identifiers: Orphanet 342, MedGen C0031069, MONDO:0018088, OMIM 249100. Disease mechanism: gain of function.

gnomAD v4.1: 8 of 1,614,242 alleles (0.0005%); highest among the groups gnomAD compares: Non-Finnish European, 0.00068%; no homozygotes.

Submissions (2):

Labcorp Genetics (formerly Invitae), Labcorp
Classification: Likely benign for Familial Mediterranean fever. Last evaluated: 2025-07-29. Review status: criteria provided, single submitter. Criteria: Invitae Variant Classification Sherloc (09022015). Collection method: clinical testing. Allele origin: germline.

GeneDx
Classification: Likely benign. Last evaluated: 2017-02-13. Review status: criteria provided, single submitter. Criteria: GeneDx Variant Classification (06012015). Collection method: clinical testing. Allele origin: germline. Affected: yes.
Comment: This variant is considered likely benign or benign based on one or more of the following criteria: it is a conservative change, it occurs at a poorly conserved position in the protein, it is predicted to be benign by multiple in silico algorithms, and/or has population frequency not consistent with disease.